The following is an entry in ClinVar:

ClinVar aggregate classification (germline): Uncertain significance (1 of 4 stars; one submission).

Conditions:
Bethlem myopathy 1A. Also called: Bethlem Muscular Dystrophy; MYOPATHY, BENIGN CONGENITAL, WITH CONTRACTURES; Bethlem myopathy 1. Identifiers: Orphanet 610, MedGen CN029274, MONDO:0024530, OMIM 158810.

Allele frequency attached by ClinVar (database versions not stated): gnomAD exomes below 0.00001.
gnomAD v4.1: 1 of 1,613,164 alleles (0.000062%); highest among the groups gnomAD compares: Non-Finnish European, 0.000085%; no homozygotes.

Submission:

MGZ Medical Genetics Center
Classification: Uncertain significance for Bethlem myopathy 1A. Last evaluated: 2022-02-15. Review status: criteria provided, single submitter. Criteria: ACMG Guidelines, 2015. Collection method: clinical testing. Allele origin: germline. Affected: yes. Observed: 1 variant allele.
Comment: ACMG criteria applied: PM2_SUP, PP3

NM_001849.4(COL6A2):c.2116G>A (p.Ala706Thr)

Gene: COL6A2 (collagen type VI alpha 2 chain; plus strand). Cytogenetic location: 21q22.3.
Variant type: single nucleotide variant.
Coding change: c.2116G>A on transcript NM_001849.4 (MANE Select); coding-DNA position 2116, G replaced by A.
Protein change: p.Ala706Thr; replaces alanine 706 with threonine.
Molecular consequence: missense variant.
Genome position (GRCh38, 1-based): chr21:46,125,931, G>A. VCF-style: chr21-46125931-G-A. GRCh37 (hg19) VCF-style: chr21-47545845-G-A.
Other names: c.2116G>A, p.Ala706Thr (NM_058174.3, NM_058175.3); short protein forms A706T.
Identifiers: ClinVar variation 1709156 (VCV001709156.2), dbSNP rs794727417, ClinGen allele CA410541608.
Genomic context (GRCh38, chr21:46,125,931, plus strand): 5'-AGCTTCAAGGAGGCTGTCAAGAACCTCGAGTGGATTGCGGGCGGCACCTGGACACCCTCA[G>A]CCCTCAAGTTTGCCTACGACCGCCTCATCAAGGAGAGCCGGCGCCAGAAGACACGTGTGT-3'
Protein context (NP_001840.3, residues 696-716): WIAGGTWTPS[Ala706Thr]LKFAYDRLIK